The following is an entry in ClinVar:

NM_022436.3(ABCG5):c.1629T>A (p.Leu543=)

Genes: ABCG5 (ATP binding cassette subfamily G member 5; minus strand), DYNC2LI1 (dynein cytoplasmic 2 light intermediate chain 1; plus strand). Cytogenetic location: 2p21.
Variant type: single nucleotide variant.
Coding change: c.1629T>A on transcript NM_022436.3 (MANE Select); coding-DNA position 1629, T replaced by A.
Protein change: p.Leu543=; no amino-acid change (leucine 543 retained).
Molecular consequence: synonymous variant. On other transcripts: intron variant (2).
Genome position (GRCh38, 1-based): chr2:43,819,935, A>T on the plus strand (T>A on the coding strand, the complement: ABCG5 is on the minus strand). VCF-style: chr2-43819935-A-T. GRCh37 (hg19) VCF-style: chr2-44047074-A-T.
Other names: c.*16-7451A>T (NM_001348913.2, NM_001348912.2).
Identifiers: ClinVar variation 3054879 (VCV003054879.2), dbSNP rs1394341666, ClinGen allele CA425757953.

ClinVar aggregate classification (germline): Likely benign (0 of 4 stars; one submission).

Conditions:
ABCG5-related disorder. Also called: ABCG5-related condition.

Allele frequency attached by ClinVar (database versions not stated): TOPMed below 0.00001; gnomAD 0.00001.
gnomAD v4.1: 2 of 1,614,046 alleles (0.00012%); highest among the groups gnomAD compares: Admixed American, 0.0017%; no homozygotes.

Submission:

PreventionGenetics, part of Exact Sciences
Classification: Likely benign for ABCG5-related condition. Last evaluated: 2022-08-23. Review status: no assertion criteria provided. Collection method: clinical testing. Allele origin: germline.
Comment: This variant is classified as likely benign based on ACMG/AMP sequence variant interpretation guidelines (Richards et al. 2015 PMID: 25741868, with internal and published modifications).